The following is an entry in ClinVar:

ClinVar aggregate classification (germline): Uncertain significance. Review status: criteria provided, multiple submitters, no conflicts (2 of 4 stars). 2 submissions from 2 submitters: Uncertain significance (2). Last evaluated 2023-02-07.

Conditions:
Familial thoracic aortic aneurysm and aortic dissection (TAAD). Also called: Thoracic aortic aneurysms and dissections. Identifiers: Orphanet 91387, MedGen C4707243, MONDO:0019625.

Allele frequency attached by ClinVar (database versions not stated): gnomAD exomes below 0.00001.
gnomAD v4.1: 1 of 1,614,158 alleles (0.000062%); highest among the groups gnomAD compares: Admixed American, 0.0017%; no homozygotes.

Submissions (2):

Ambry Genetics
Classification: Uncertain significance for Familial thoracic aortic aneurysm and aortic dissection. Last evaluated: 2023-02-07. Review status: criteria provided, single submitter. Criteria: Ambry Variant Classification Scheme 2023. Collection method: clinical testing. Allele origin: germline.
Comment: The p.H2420Q variant (also known as c.7260C>G), located in coding exon 57 of the FBN2 gene, results from a C to G substitution at nucleotide position 7260. The histidine at codon 2420 is replaced by glutamine, an amino acid with highly similar properties. This amino acid position is not well conserved in available vertebrate species. In addition, the in silico prediction for this alteration is inconclusive. Since supporting evidence is limited at this time, the clinical significance of this alteration remains unclear.

AiLife Diagnostics
Classification: Uncertain significance. Last evaluated: 2021-08-08. Review status: criteria provided, single submitter. Criteria: ACMG Guidelines, 2015. Collection method: clinical testing. Allele origin: germline. Affected: yes. Observed: 1 variant allele.

NM_001999.4(FBN2):c.7260C>G (p.His2420Gln)

Gene: FBN2 (fibrillin 2; minus strand). Cytogenetic location: 5q23.3.
Variant type: single nucleotide variant.
Coding change: c.7260C>G on transcript NM_001999.4 (MANE Select); coding-DNA position 7260, C replaced by G.
Protein change: p.His2420Gln; replaces histidine 2420 with glutamine.
Molecular consequence: missense variant.
Genome position (GRCh38, 1-based): chr5:128,278,720, G>C on the plus strand (C>G on the coding strand, the complement: FBN2 is on the minus strand). VCF-style: chr5-128278720-G-C. GRCh37 (hg19) VCF-style: chr5-127614412-G-C.
Other names: c.7260C>G (NM_001999.3); short protein forms H2420Q.
Identifiers: ClinVar variation 1677429 (VCV001677429.3), dbSNP rs775251012, ClinGen allele CA360756361.